The following is an entry in ClinVar:

NM_173791.5(PDZD8):c.1362A>G (p.Gln454=)

Gene: PDZD8 (PDZ domain containing 8; minus strand). Cytogenetic location: 10q25.3.
Variant type: single nucleotide variant.
Coding change: c.1362A>G on transcript NM_173791.5 (MANE Select); coding-DNA position 1362, A replaced by G.
Protein change: p.Gln454=; no amino-acid change (glutamine 454 retained).
Molecular consequence: synonymous variant.
Genome position (GRCh38, 1-based): chr10:117,285,371, T>C on the plus strand (A>G on the coding strand, the complement: PDZD8 is on the minus strand). VCF-style: chr10-117285371-T-C. GRCh37 (hg19) VCF-style: chr10-119044882-T-C.
Identifiers: ClinVar variation 3063701 (VCV003063701.6), dbSNP rs200748110, ClinGen allele CA5711031.

ClinVar aggregate classification (germline): Likely benign. Review status: criteria provided, multiple submitters, no conflicts (2 of 4 stars). 2 submissions from 2 submitters: Likely benign (2). Last evaluated 2025-12-01.

Allele frequency attached by ClinVar (database versions not stated): gnomAD 0.00001; gnomAD exomes 0.00006; TOPMed 0.00006; ExAC 0.00007; 1000 Genomes Project 30x 0.00016; 1000 Genomes Project 0.00020.
gnomAD v4.1: 35 of 1,614,180 alleles (0.0022%); highest among the groups gnomAD compares: Admixed American, 0.058%; no homozygotes.

Submissions (2):

CeGaT Center for Human Genetics Tuebingen
Classification: Likely benign. Last evaluated: 2025-12-01. Review status: criteria provided, single submitter. Criteria: CeGaT Center For Human Genetics Tuebingen Variant Classification Criteria Version 2. Collection method: clinical testing. Allele origin: germline. Affected: yes. Observed: 1 variant allele.
Comment: PDZD8: BP4, BP7

Women's Health and Genetics/Laboratory Corporation of America, LabCorp
Classification: Likely benign. Last evaluated: 2024-01-29. Review status: criteria provided, single submitter. Criteria: LabCorp Variant Classification Summary - May 2015. Collection method: clinical testing. Allele origin: germline.